The following is an entry in ClinVar:

NM_020347.4(LZTFL1):c.44T>C (p.Ile15Thr)

Gene: LZTFL1 (leucine zipper transcription factor like 1; minus strand). Cytogenetic location: 3p21.31.
Variant type: single nucleotide variant.
Coding change: c.44T>C on transcript NM_020347.4 (MANE Select); coding-DNA position 44, T replaced by C.
Protein change: p.Ile15Thr; replaces isoleucine 15 with threonine.
Molecular consequence: missense variant. On other transcripts: 5 prime UTR variant (2), intron variant (1).
Genome position (GRCh38, 1-based): chr3:45,838,011, A>G on the plus strand (T>C on the coding strand, the complement: LZTFL1 is on the minus strand). VCF-style: chr3-45838011-A-G. GRCh37 (hg19) VCF-style: chr3-45879503-A-G.
Other names: c.-8T>C (NM_001276378.2, NM_001386451.1, NM_001405922.1 and 4 more transcripts); c.44T>C, p.Ile15Thr (NM_001386452.1, NM_001405924.1); c.68T>C, p.Ile23Thr (NM_001405920.1, NM_001405925.1); c.117-2227T>C (NM_001276379.2); short protein forms I15T, I23T.
Identifiers: ClinVar variation 2045531 (VCV002045531.3), dbSNP rs1401972359, ClinGen allele CA352455635.

ClinVar aggregate classification (germline): Uncertain significance (1 of 4 stars; one submission).

Allele frequency attached by ClinVar (database versions not stated): gnomAD exomes below 0.00001; gnomAD 0.00001.

Submission:

Labcorp Genetics (formerly Invitae), Labcorp
Classification: Uncertain significance. Last evaluated: 2022-04-15. Review status: criteria provided, single submitter. Criteria: Invitae Variant Classification Sherloc (09022015). Collection method: clinical testing. Allele origin: germline.
Comment: This variant has not been reported in the literature in individuals affected with LZTFL1-related conditions. In summary, the available evidence is currently insufficient to determine the role of this variant in disease. Therefore, it has been classified as a Variant of Uncertain Significance. Algorithms developed to predict the effect of missense changes on protein structure and function (SIFT, PolyPhen-2, Align-GVGD) all suggest that this variant is likely to be tolerated. This variant is present in population databases (no rsID available, gnomAD 0.007%). This sequence change replaces isoleucine, which is neutral and non-polar, with threonine, which is neutral and polar, at codon 15 of the LZTFL1 protein (p.Ile15Thr).